The following is an entry in ClinVar:

NM_000214.3(JAG1):c.2228-3T>G

Gene: JAG1 (jagged canonical Notch ligand 1; minus strand). Cytogenetic location: 20p12.2.
Variant type: single nucleotide variant.
Coding change: c.2228-3T>G on transcript NM_000214.3 (MANE Select); 3 bases into the intron before coding-DNA position 2228, T replaced by G.
Molecular consequence: intron variant.
Genome position (GRCh38, 1-based): chr20:10,644,982, A>C on the plus strand (T>G on the coding strand, the complement: JAG1 is on the minus strand). VCF-style: chr20-10644982-A-C. GRCh37 (hg19) VCF-style: chr20-10625630-A-C.
Identifiers: ClinVar variation 2025400 (VCV002025400.4), dbSNP rs1244716853, ClinGen allele CA2580097869.

ClinVar aggregate classification (germline): Uncertain significance (1 of 4 stars; one submission).

Conditions:
Alagille syndrome due to a JAG1 point mutation. Also called: HEPATIC DUCTULAR HYPOPLASIA, SYNDROMATIC; Alagille Syndrome 1; JAG1-Related Alagille Syndrome. Identifiers: Orphanet 261619, Orphanet 52, MedGen C1956125, MONDO:0016862, OMIM 118450.

Submission:

Labcorp Genetics (formerly Invitae), Labcorp
Classification: Uncertain significance for Alagille syndrome due to a JAG1 point mutation. Last evaluated: 2022-08-20. Review status: criteria provided, single submitter. Criteria: Invitae Variant Classification Sherloc (09022015). Collection method: clinical testing. Allele origin: germline.
Comment: In summary, the available evidence is currently insufficient to determine the role of this variant in disease. Therefore, it has been classified as a Variant of Uncertain Significance. Variants that disrupt the consensus splice site are a relatively common cause of aberrant splicing (PMID: 17576681, 9536098). Algorithms developed to predict the effect of sequence changes on RNA splicing suggest that this variant may disrupt the consensus splice site. This variant has not been reported in the literature in individuals affected with JAG1-related conditions. This variant is not present in population databases (gnomAD no frequency). This sequence change falls in intron 17 of the JAG1 gene. It does not directly change the encoded amino acid sequence of the JAG1 protein. It affects a nucleotide within the consensus splice site.

Literature cited by the submitters: PubMed 17576681; PubMed 9536098.